The following is an entry in ClinVar:

NM_006080.3(SEMA3A):c.1172_1173dup (p.Thr392fs)

Gene: SEMA3A (semaphorin 3A; minus strand). Cytogenetic location: 7q21.11.
Variant type: Microsatellite.
Coding change: c.1172_1173dup on transcript NM_006080.3 (MANE Select); coding-DNA positions 1172 to 1173, 2 bases duplicated (CT; older notation c.1172_1173dupCT).
Protein change: p.Thr392fs; shifts the reading frame from threonine 392.
Molecular consequence: frameshift variant.
Genome position (GRCh38, 1-based): chr7:84,005,526-84,005,527, AG duplicated on the plus strand (CT on the coding strand, the reverse complement: SEMA3A is on the minus strand); duplicating any 2 consecutive bases within chr7:84,005,526-84,005,529 gives the same sequence; the c. name uses the placement nearest the transcript's 3' end. VCF-style (leftmost placement, unchanged base first): chr7-84005525-T-TAG. GRCh37 (hg19) VCF-style: chr7-83634841-T-TAG.
Other names: c.1170_1171CT[3], p.Thr392Leufs (NM_006080.2); c.1172_1173dupCT (NM_006080.2); short protein forms T392fs.
Identifiers: ClinVar variation 4993735 (VCV004993735.1).
Genomic context (GRCh38, chr7:84,005,525, plus strand): 5'-GATTGTACATGGCTGGATGACTTCTTGCAAAGGTTATAACATCATCAGGAAGGTCCTTTG[T>TAG]AGAGTCAAAACCACCAAATGTTTTGCTGGGACACTATTAAGATAAAGAGAAAATTATCTT-3'

ClinVar aggregate classification (germline): Likely pathogenic (1 of 4 stars; one submission).

Conditions:
SEMA3A-related disorder. Also called: SEMA3A-related condition.

Submission:

PreventionGenetics, part of Exact Sciences
Classification: Likely pathogenic for SEMA3A-related condition. Last evaluated: 2026-06-01. Review status: criteria provided, single submitter. Criteria: ACMG Guidelines, 2015. Collection method: clinical testing. Allele origin: germline.
Comment: The SEMA3A c.1172_1173dupCT variant is predicted to result in a frameshift and premature protein termination (p.Thr392Leufs*10). To our knowledge, this variant has not been reported in the literature or in a large population database (gnomAD), indicating this variant is rare. Of note, heterozygous pathogenic variants in SEMA3A have been reported to be causative for Kallmann syndrome (Hanchate et al. 2012. PubMed ID: 22927827), while biallelic loss-of-function variants in SEMA3A have been reported in patients with short stature and multiple congenital anomalies (Hofmann et al. 2013. PubMed ID: 24124006; Baumann et al. 2017. PubMed ID: 28075028). Frameshift variants in SEMA3A are expected to be pathogenic. This variant is interpreted as likely pathogenic.